The following is an entry in ClinVar:

ClinVar aggregate classification (germline): Benign. Review status: criteria provided, multiple submitters, no conflicts (2 of 4 stars). 4 submissions from 4 submitters: Benign (3). 1 of the submissions does not count toward it. Last evaluated 2026-01-26.

Conditions:
CPAMD8-related disorder. Also called: CPAMD8-related condition.

Allele frequency attached by ClinVar (database versions not stated): 1000 Genomes Project 0.18550; gnomAD exomes 0.14301 and 0.14881; ESP Exome Variant Server 0.19745; ExAC 0.19900; gnomAD 0.19646 and 0.20314; 1000 Genomes Project 30x 0.19113; TOPMed 0.19770.
gnomAD v4.1: 245,235 of 1,601,100 alleles (15%); highest among the groups gnomAD compares: African/African-American, 34%; 20,897 homozygotes.

Submissions (4):

Labcorp Genetics (formerly Invitae), Labcorp
Classification: Benign. Last evaluated: 2026-01-26. Review status: criteria provided, single submitter. Criteria: Invitae Variant Classification Sherloc (09022015). Collection method: clinical testing. Allele origin: germline.

GeneDx
Classification: Benign. Last evaluated: 2021-05-04. Review status: criteria provided, single submitter. Criteria: GeneDx Variant Classification Process June 2021. Collection method: clinical testing. Allele origin: germline. Affected: yes.

Breakthrough Genomics
Classification: Benign. Review status: criteria provided, single submitter. Criteria: ACMG Guidelines, 2015. Collection method: not provided. Allele origin: germline. Inheritance: Autosomal recessive inheritance. Affected: yes.

PreventionGenetics, part of Exact Sciences
Classification: Benign for CPAMD8-related condition. Last evaluated: 2019-11-13. Review status: no assertion criteria provided. Collection method: clinical testing. Allele origin: germline. Not counted in ClinVar's aggregate classification.
Comment: This variant is classified as benign based on ACMG/AMP sequence variant interpretation guidelines (Richards et al. 2015 PMID: 25741868, with internal and published modifications).

NM_015692.5(CPAMD8):c.687T>C (p.Phe229=)

Gene: CPAMD8 (C3 and PZP like alpha-2-macroglobulin domain containing 8; minus strand). Cytogenetic location: 19p13.11.
Variant type: single nucleotide variant.
Coding change: c.687T>C on transcript NM_015692.5 (MANE Select); coding-DNA position 687, T replaced by C.
Protein change: p.Phe229=; no amino-acid change (phenylalanine 229 retained).
Molecular consequence: synonymous variant. On other transcripts: non-coding transcript variant (1).
Genome position (GRCh38, 1-based): chr19:17,002,337, A>G on the plus strand (T>C on the coding strand, the complement: CPAMD8 is on the minus strand). VCF-style: chr19-17002337-A-G. GRCh37 (hg19) VCF-style: chr19-17113147-A-G.
Identifiers: ClinVar variation 1283881 (VCV001283881.12), dbSNP rs3745345, ClinGen allele CA9285999.